The following is an entry in ClinVar:

ClinVar aggregate classification (germline): Uncertain significance (1 of 4 stars; one submission).

Conditions:
BAP1-related tumor predisposition syndrome (TPDS1). Also called: COMMON Syndrome; Tumor susceptibility linked to germline BAP1 mutations; TUMOR PREDISPOSITION SYNDROME 1; BAP1 tumor predisposition syndrome. Identifiers: Orphanet 289539, MedGen C3280492, MONDO:0013692, OMIM 614327.

Submission:

Labcorp Genetics (formerly Invitae), Labcorp
Classification: Uncertain significance for BAP1-related tumor predisposition syndrome. Last evaluated: 2018-04-19. Review status: criteria provided, single submitter. Criteria: Invitae Variant Classification Sherloc (09022015). Collection method: clinical testing. Allele origin: germline.
Comment: In summary, the available evidence is currently insufficient to determine the role of this variant in disease. Therefore, it has been classified as a Variant of Uncertain Significance. Algorithms developed to predict the effect of sequence changes on RNA splicing suggest that this variant may create or strengthen a splice site, but this prediction has not been confirmed by published transcriptional studies. Algorithms developed to predict the effect of missense changes on protein structure and function do not agree on the potential impact of this missense change (SIFT: "Deleterious"; PolyPhen-2: "Probably Damaging"; Align-GVGD: "Class C0"). This variant has not been reported in the literature in individuals with BAP1-related disease. ClinVar contains an entry for this variant (Variation ID: 412433). This variant is not present in population databases (ExAC no frequency). This sequence change replaces threonine with arginine at codon 69 of the BAP1 protein (p.Thr69Arg). The threonine residue is highly conserved and there is a moderate physicochemical difference between threonine and arginine.

NM_004656.4(BAP1):c.206C>G (p.Thr69Arg)

Gene: BAP1 (BRCA1 associated deubiquitinase 1; minus strand). Cytogenetic location: 3p21.1.
Variant type: single nucleotide variant.
Coding change: c.206C>G on transcript NM_004656.4 (MANE Select); coding-DNA position 206, C replaced by G.
Protein change: p.Thr69Arg; replaces threonine 69 with arginine.
Molecular consequence: missense variant.
Genome position (GRCh38, 1-based): chr3:52,408,523, G>C on the plus strand (C>G on the coding strand, the complement: BAP1 is on the minus strand). VCF-style: chr3-52408523-G-C. GRCh37 (hg19) VCF-style: chr3-52442539-G-C.
Other names: short protein forms T69R.
Identifiers: ClinVar variation 412433 (VCV000412433.6), dbSNP rs572063023, ClinGen allele CA16611450.